The following is an entry in ClinVar:

ClinVar aggregate classification (germline): Likely benign (1 of 4 stars; one submission).

Allele frequency attached by ClinVar (database versions not stated): gnomAD 0.00683 and 0.00627; TOPMed 0.00688; 1000 Genomes Project 0.00958; 1000 Genomes Project 30x 0.00984.
gnomAD v4.1: 948 of 152,224 alleles (0.62%); highest among the groups gnomAD compares: African/African-American, 2.1%; 12 homozygotes.

Submission:

GeneDx
Classification: Likely benign. Last evaluated: 2018-06-14. Review status: criteria provided, single submitter. Criteria: GeneDx Variant Classification (06012015). Collection method: clinical testing. Allele origin: germline. Affected: yes.
Comment: This variant is considered likely benign or benign based on one or more of the following criteria: it is a conservative change, it occurs at a poorly conserved position in the protein, it is predicted to be benign by multiple in silico algorithms, and/or has population frequency not consistent with disease.

NM_006939.4(SOS2):c.3338-200T>C

Gene: SOS2 (SOS Ras/Rho guanine nucleotide exchange factor 2; minus strand). Cytogenetic location: 14q21.3.
Variant type: single nucleotide variant.
Coding change: c.3338-200T>C on transcript NM_006939.4 (MANE Select); 200 bases into the intron before coding-DNA position 3338, T replaced by C.
Molecular consequence: intron variant.
Genome position (GRCh38, 1-based): chr14:50,130,202, A>G on the plus strand (T>C on the coding strand, the complement: SOS2 is on the minus strand). VCF-style: chr14-50130202-A-G. GRCh37 (hg19) VCF-style: chr14-50596920-A-G.
Identifiers: ClinVar variation 561644 (VCV000561644.1), dbSNP rs74744180, ClinGen allele CA260713603.